The following is an entry in ClinVar:

ClinVar aggregate classification (germline): Benign (1 of 4 stars; one submission).

Allele frequency attached by ClinVar (database versions not stated): 1000 Genomes Project 0.48183; 1000 Genomes Project 30x 0.49672; gnomAD 0.62934; TOPMed 0.63280.
gnomAD v4.1: 95,670 of 152,044 alleles (63%); highest among the groups gnomAD compares: African/African-American, 72%; 31,623 homozygotes.

Submission:

GeneDx
Classification: Benign. Last evaluated: 2018-06-14. Review status: criteria provided, single submitter. Criteria: GeneDx Variant Classification (06012015). Collection method: clinical testing. Allele origin: germline. Affected: yes.
Comment: This variant is considered likely benign or benign based on one or more of the following criteria: it is a conservative change, it occurs at a poorly conserved position in the protein, it is predicted to be benign by multiple in silico algorithms, and/or has population frequency not consistent with disease.

NM_001195518.2(MICU1):c.493+286C>T

Gene: MICU1 (mitochondrial calcium uptake 1; minus strand). Cytogenetic location: 10q22.1.
Variant type: single nucleotide variant.
Coding change: c.493+286C>T on transcript NM_001195518.2 (MANE Select); 286 bases into the intron after coding-DNA position 493, C replaced by T.
Molecular consequence: intron variant.
Genome position (GRCh38, 1-based): chr10:72,550,893, G>A on the plus strand (C>T on the coding strand, the complement: MICU1 is on the minus strand). VCF-style: chr10-72550893-G-A. GRCh37 (hg19) VCF-style: chr10-74310651-G-A.
Other names: c.493+286C>T (NM_006077.4, NM_001363513.2).
Identifiers: ClinVar variation 667495 (VCV000667495.1), dbSNP rs11812132, ClinGen allele CA13224032.
Genomic context (GRCh38, chr10:72,550,893, plus strand): 5'-TAATTTCATACTTTATAAGTTTTCTAGTTTTCCTCACTAAAGAGTGACTTGATAGCAGTT[G>A]TATGTGTAATGTATTGCCTTCGAGAACATTCTAATTACAGGTAGTGAATCTCAACCAGAG-3'